The following is an entry in ClinVar:

NM_144658.4(DOCK11):c.1927C>A (p.Leu643Met)

Gene: DOCK11 (dedicator of cytokinesis 11; plus strand). Cytogenetic location: Xq24.
Variant type: single nucleotide variant.
Coding change: c.1927C>A on transcript NM_144658.4 (MANE Select); coding-DNA position 1927, C replaced by A.
Protein change: p.Leu643Met; replaces leucine 643 with methionine.
Molecular consequence: missense variant.
Genome position (GRCh38, 1-based): chrX:118,588,268, C>A. VCF-style: chrX-118588268-C-A. GRCh37 (hg19) VCF-style: chrX-117722231-C-A.
Other names: short protein forms L643M.
Identifiers: ClinVar variation 4085463 (VCV004085463.8).

ClinVar aggregate classification (germline): Uncertain significance (1 of 4 stars; one submission).

Submission:

CeGaT Center for Human Genetics Tuebingen
Classification: Uncertain significance. Last evaluated: 2025-07-01. Review status: criteria provided, single submitter. Criteria: CeGaT Center For Human Genetics Tuebingen Variant Classification Criteria Version 2. Collection method: clinical testing. Allele origin: germline. Affected: yes. Observed: 2 variant alleles.
Comment: DOCK11: PM2